The following is an entry in ClinVar:

ClinVar aggregate classification (germline): Pathogenic/Likely pathogenic. Review status: criteria provided, multiple submitters, no conflicts (2 of 4 stars). 3 submissions from 3 submitters: Pathogenic (1); Likely pathogenic (2). Last evaluated 2026-06-15.

Conditions:
Colorectal cancer, hereditary nonpolyposis, type 7. Identifiers: Orphanet 144, MedGen C1858380, MONDO:0013725, OMIM 614385.

Submissions (3):

Myriad Genetics, Inc.
Classification: Pathogenic for Colorectal cancer, hereditary nonpolyposis, type 7. Last evaluated: 2026-06-15. Review status: criteria provided, single submitter. Criteria: Myriad Autosomal Dominant, Autosomal Recessive and X-Linked Classification Criteria (2023). Collection method: clinical testing. Allele origin: unknown.
Comment: This variant is considered pathogenic. This variant creates a frameshift predicted to result in premature protein truncation.

Center for Genomic Medicine, Rigshospitalet, Copenhagen University Hospital
Classification: Likely pathogenic. Last evaluated: 2025-03-04. Review status: criteria provided, single submitter. Criteria: ACMG Guidelines, 2015. Collection method: clinical testing. Allele origin: germline.

Department of Clinical Genetics, Copenhagen University Hospital, Rigshospitalet
Classification: Likely pathogenic for Colorectal cancer, hereditary nonpolyposis, type 7. Last evaluated: 2025-01-10. Review status: criteria provided, single submitter. Criteria: ACMG Guidelines, 2015. Collection method: clinical testing. Allele origin: germline. Affected: yes.
Comment: The following ACMG criteria was used: PVS1; PM2_SUP

Literature cited by the submitters: PubMed 39789695 (cited by Department of Clinical Genetics, Copenhagen University Hospital, Rigshospitalet).

NM_001040108.2(MLH3):c.124del (p.Ala42fs)

Gene: MLH3 (mutL homolog 3; minus strand). Cytogenetic location: 14q24.3.
Variant type: Deletion.
Coding change: c.124del on transcript NM_001040108.2 (MANE Select); coding-DNA position 124, one base deleted (G; older notation c.124delG).
Protein change: p.Ala42fs; shifts the reading frame from alanine 42.
Molecular consequence: frameshift variant.
Genome position (GRCh38, 1-based): chr14:75,049,532, C deleted on the plus strand (G on the coding strand, the reverse complement: MLH3 is on the minus strand); the first of 2 consecutive C bases (chr14:75,049,532-75,049,533); deleting either gives the same sequence. VCF-style (leftmost placement, unchanged base first): chr14-75049531-GC-G. GRCh37 (hg19) VCF-style: chr14-75516234-GC-G.
Other names: c.124del, p.Ala42fs (NM_014381.3); c.124delG (NM_001040108.2); short protein forms A42fs.
Identifiers: ClinVar variation 1802864 (VCV001802864.7), dbSNP rs2503336726, ClinGen allele CA2580089043.